The following is an entry in ClinVar:

NM_032578.4(MYPN):c.3932C>T (p.Ser1311Phe)

Gene: MYPN (myopalladin; plus strand). Cytogenetic location: 10q21.3.
Variant type: single nucleotide variant.
Coding change: c.3932C>T on transcript NM_032578.4 (MANE Select); coding-DNA position 3932, C replaced by T.
Protein change: p.Ser1311Phe; replaces serine 1311 with phenylalanine.
Molecular consequence: missense variant. On other transcripts: non-coding transcript variant (2).
Genome position (GRCh38, 1-based): chr10:68,210,424, C>T. VCF-style: chr10-68210424-C-T. GRCh37 (hg19) VCF-style: chr10-69970181-C-T.
Other names: c.3932C>T, p.Ser1311Phe (NM_001256267.2); c.3050C>T, p.Ser1017Phe (NM_001256268.2); short protein forms S1017F, S1311F.
Identifiers: ClinVar variation 3677310 (VCV003677310.2).

ClinVar aggregate classification (germline): Uncertain significance (1 of 4 stars; one submission).

Conditions:
Dilated cardiomyopathy 1KK (CMD1KK). Identifiers: Orphanet 154, Orphanet 75249, MedGen C3714995, MONDO:0014100, OMIM 615248.

gnomAD v4.1: 1 of 1,614,186 alleles (0.000062%); no homozygotes.

Submission:

Labcorp Genetics (formerly Invitae), Labcorp
Classification: Uncertain significance for Dilated cardiomyopathy 1KK. Last evaluated: 2024-07-21. Review status: criteria provided, single submitter. Criteria: Invitae Variant Classification Sherloc (09022015). Collection method: clinical testing. Allele origin: germline.
Comment: This sequence change replaces serine, which is neutral and polar, with phenylalanine, which is neutral and non-polar, at codon 1311 of the MYPN protein (p.Ser1311Phe). This variant is not present in population databases (gnomAD no frequency). This variant has not been reported in the literature in individuals affected with MYPN-related conditions. An algorithm developed to predict the effect of missense changes on protein structure and function (PolyPhen-2) suggests that this variant is likely to be tolerated. In summary, the available evidence is currently insufficient to determine the role of this variant in disease. Therefore, it has been classified as a Variant of Uncertain Significance.